The following is an entry in ClinVar:

NM_001197104.2(KMT2A):c.3541G>T (p.Gly1181Cys)

Gene: KMT2A (lysine methyltransferase 2A; plus strand). Cytogenetic location: 11q23.3.
Variant type: single nucleotide variant.
Coding change: c.3541G>T on transcript NM_001197104.2 (MANE Select); coding-DNA position 3541, G replaced by T.
Protein change: p.Gly1181Cys; replaces glycine 1181 with cysteine.
Molecular consequence: missense variant.
Genome position (GRCh38, 1-based): chr11:118,478,173, G>T. VCF-style: chr11-118478173-G-T. GRCh37 (hg19) VCF-style: chr11-118348888-G-T.
Other names: c.3541G>T, p.Gly1181Cys (NM_005933.4); short protein forms G1181C.
Identifiers: ClinVar variation 859162 (VCV000859162.9), dbSNP rs1950071303, ClinGen allele CA382825148.

ClinVar aggregate classification (germline): Pathogenic (1 of 4 stars; one submission).

Submission:

Labcorp Genetics (formerly Invitae), Labcorp
Classification: Pathogenic. Last evaluated: 2026-01-15. Review status: criteria provided, single submitter. Criteria: Invitae Variant Classification Sherloc (09022015). Collection method: clinical testing. Allele origin: germline.
Comment: This sequence change replaces glycine, which is neutral and non-polar, with cysteine, which is neutral and slightly polar, at codon 1181 of the KMT2A protein (p.Gly1181Cys). This variant is not present in population databases (gnomAD no frequency). This missense change has been observed in individual(s) with clinical features of Wiedemann-Steiner syndrome (internal data). In at least one individual the variant was observed to be de novo. ClinVar contains an entry for this variant (Variation ID: 859162). Invitae Evidence Modeling of protein sequence and biophysical properties (such as structural, functional, and spatial information, amino acid conservation, physicochemical variation, residue mobility, and thermodynamic stability) indicates that this missense variant is expected to disrupt KMT2A protein function with a positive predictive value of 95%. This variant disrupts the p.Gly1181 amino acid residue in KMT2A. Other variant(s) that disrupt this residue have been observed in individuals with KMT2A-related conditions (PMID: 29574747), which suggests that this may be a clinically significant amino acid residue. For these reasons, this variant has been classified as Pathogenic.

Literature cited by the submitters: PubMed 29574747.